The following is an entry in ClinVar:

NM_024496.4(IRF2BPL):c.1695G>C (p.Gln565His)

Gene: IRF2BPL (interferon regulatory factor 2 binding protein like; minus strand). Cytogenetic location: 14q24.3.
Variant type: single nucleotide variant.
Coding change: c.1695G>C on transcript NM_024496.4 (MANE Select); coding-DNA position 1695, G replaced by C.
Protein change: p.Gln565His; replaces glutamine 565 with histidine.
Molecular consequence: missense variant.
Genome position (GRCh38, 1-based): chr14:77,026,098, C>G on the plus strand (G>C on the coding strand, the complement: IRF2BPL is on the minus strand). VCF-style: chr14-77026098-C-G. GRCh37 (hg19) VCF-style: chr14-77492441-C-G.
Other names: short protein forms Q565H.
Identifiers: ClinVar variation 3233643 (VCV003233643.2), dbSNP rs2503075206, ClinGen allele CA390492447.

ClinVar aggregate classification (germline): Uncertain significance (1 of 4 stars; one submission).

Submission:

Women's Health and Genetics/Laboratory Corporation of America, LabCorp
Classification: Uncertain significance. Last evaluated: 2024-03-28. Review status: criteria provided, single submitter. Criteria: LabCorp Variant Classification Summary - May 2015. Collection method: clinical testing. Allele origin: germline.
Comment: Variant summary: IRF2BPL c.1695G>C (p.Gln565His) results in a non-conservative amino acid change in the encoded protein sequence. Four of five in-silico tools predict a damaging effect of the variant on protein function. The variant was absent in 183240 control chromosomes. The available data on variant occurrences in the general population are insufficient to allow any conclusion about variant significance. To our knowledge, no occurrence of c.1695G>C in individuals affected with Neurodevelopmental Disorder With Regression, Abnormal Movements, Loss Of Speech, And Seizures and no experimental evidence demonstrating its impact on protein function have been reported. No submitters have cited clinical-significance assessments for this variant to ClinVar. Based on the evidence outlined above, the variant was classified as uncertain significance.